The following is an entry in ClinVar:

ClinVar aggregate classification (germline): Uncertain significance. Review status: criteria provided, multiple submitters, no conflicts (2 of 4 stars). 2 submissions from 2 submitters: Uncertain significance (2). Last evaluated 2025-03-31.

Allele frequency attached by ClinVar (database versions not stated): gnomAD exomes 0.00003; ExAC 0.00004; gnomAD 0.00005; TOPMed 0.00005.

Submissions (2):

Ambry Genetics
Classification: Uncertain significance. Last evaluated: 2025-03-31. Review status: criteria provided, single submitter. Criteria: Ambry Variant Classification Scheme 2023. Collection method: clinical testing. Allele origin: germline.

Labcorp Genetics (formerly Invitae), Labcorp
Classification: Uncertain significance. Last evaluated: 2022-08-23. Review status: criteria provided, single submitter. Criteria: Invitae Variant Classification Sherloc (09022015). Collection method: clinical testing. Allele origin: germline.
Comment: This sequence change replaces alanine, which is neutral and non-polar, with threonine, which is neutral and polar, at codon 33 of the MRPL12 protein (p.Ala33Thr). This variant is present in population databases (rs754885702, gnomAD 0.006%). This variant has not been reported in the literature in individuals affected with MRPL12-related conditions. Algorithms developed to predict the effect of missense changes on protein structure and function (SIFT, PolyPhen-2, Align-GVGD) all suggest that this variant is likely to be tolerated. In summary, the available evidence is currently insufficient to determine the role of this variant in disease. Therefore, it has been classified as a Variant of Uncertain Significance.

NM_002949.4(MRPL12):c.97G>A (p.Ala33Thr)

Gene: MRPL12 (mitochondrial ribosomal protein L12; plus strand). Cytogenetic location: 17q25.3.
Variant type: single nucleotide variant.
Coding change: c.97G>A on transcript NM_002949.4 (MANE Select); coding-DNA position 97, G replaced by A.
Protein change: p.Ala33Thr; replaces alanine 33 with threonine.
Molecular consequence: missense variant.
Genome position (GRCh38, 1-based): chr17:81,704,266, G>A. VCF-style: chr17-81704266-G-A. GRCh37 (hg19) VCF-style: chr17-79671296-G-A.
Other names: c.97G>A (NM_002949.3); short protein forms A33T.
Identifiers: ClinVar variation 1979263 (VCV001979263.5), dbSNP rs754885702, ClinGen allele CA8841251.
Genomic context (GRCh38, chr17:81,704,266, plus strand): 5'-GGACTGACAAGTCTGTTTTAATTGGGGGTGGGGGCTAGGCGACAGGTGCCATGTGTCTGT[G>A]CCGTGCGACATATGAGGAGCAGCGGCCATCAGAGGTGTGAGGCCCTCGCTGGTGCACCCC-3'
Protein context (NP_002940.2, residues 23-43): LARRQVPCVC[Ala33Thr]VRHMRSSGHQ